The following is an entry in ClinVar:

NM_177438.3(DICER1):c.3156_3159del (p.Cys1053fs)

Gene: DICER1 (dicer 1, ribonuclease III; minus strand). Cytogenetic location: 14q32.13.
Variant type: Deletion.
Coding change: c.3156_3159del on transcript NM_177438.3 (MANE Select); coding-DNA positions 3156 to 3159, 4 bases deleted (TTGT; older notation c.3156_3159delTTGT).
Protein change: p.Cys1053fs; shifts the reading frame from cysteine 1053.
Molecular consequence: frameshift variant.
Genome position (GRCh38, 1-based): chr14:95,105,181-95,105,184, ACAA deleted on the plus strand (TTGT on the coding strand, the reverse complement: DICER1 is on the minus strand); deleting any 4 consecutive bases within chr14:95,105,181-95,105,187 gives the same sequence; the c. name uses the placement nearest the transcript's 3' end. VCF-style (leftmost placement, unchanged base first): chr14-95105180-GACAA-G. GRCh37 (hg19) VCF-style: chr14-95571517-GACAA-G.
Other names: c.3156_3159del, p.Cys1053fs (NM_001195573.1, NM_001271282.3, NM_001291628.2 and 1 more transcripts); short protein forms C1053fs.
Identifiers: ClinVar variation 1382766 (VCV001382766.7), dbSNP rs2139987544, ClinGen allele CA2573150361.

ClinVar aggregate classification (germline): Pathogenic (1 of 4 stars; one submission).

Conditions:
DICER1-related tumor predisposition. Also called: DICER1 syndrome; DICER1-related pleuropulmonary blastoma cancer predisposition syndrome. Identifiers: Orphanet 284343, MedGen C3839822, MONDO:0100216.

Submission:

Labcorp Genetics (formerly Invitae), Labcorp
Classification: Pathogenic for DICER1-related tumor predisposition. Last evaluated: 2021-05-17. Review status: criteria provided, single submitter. Criteria: Invitae Variant Classification Sherloc (09022015). Collection method: clinical testing. Allele origin: germline.
Comment: For these reasons, this variant has been classified as Pathogenic. This variant has not been reported in the literature in individuals with DICER1-related conditions. This variant is not present in population databases (ExAC no frequency). This sequence change creates a premature translational stop signal (p.Cys1053Serfs*12) in the DICER1 gene. It is expected to result in an absent or disrupted protein product. Loss-of-function variants in DICER1 are known to be pathogenic (PMID: 19556464, 21266384).

Literature cited by the submitters: PubMed 19556464; PubMed 21266384.